The following is an entry in ClinVar:

NM_006947.4(SRP72):c.1469C>A (p.Ala490Asp)

Gene: SRP72 (signal recognition particle 72; plus strand). Cytogenetic location: 4q12.
Variant type: single nucleotide variant.
Coding change: c.1469C>A on transcript NM_006947.4 (MANE Select); coding-DNA position 1469, C replaced by A.
Protein change: p.Ala490Asp; replaces alanine 490 with aspartic acid.
Molecular consequence: missense variant. On other transcripts: non-coding transcript variant (1).
Genome position (GRCh38, 1-based): chr4:56,490,612, C>A. VCF-style: chr4-56490612-C-A. GRCh37 (hg19) VCF-style: chr4-57356778-C-A.
Other names: c.1286C>A, p.Ala429Asp (NM_001267722.2); short protein forms A490D, A429D.
Identifiers: ClinVar variation 4589577 (VCV004589577.1).

ClinVar aggregate classification (germline): Uncertain significance (1 of 4 stars; one submission).

Submission:

Ambry Genetics
Classification: Uncertain significance. Last evaluated: 2025-09-23. Review status: criteria provided, single submitter. Criteria: Ambry Variant Classification Scheme 2023. Collection method: clinical testing. Allele origin: germline.
Comment: The p.A490D variant (also known as c.1469C>A), located in coding exon 15 of the SRP72 gene, results from a C to A substitution at nucleotide position 1469. The alanine at codon 490 is replaced by aspartic acid, an amino acid with dissimilar properties. This amino acid position is conserved. In addition, this alteration is predicted to be deleterious by in silico analysis. Based on the available evidence, the clinical significance of this variant remains unclear.